The following is an entry in ClinVar:

NM_001378183.1(PIEZO2):c.2134A>G (p.Met712Val)

Gene: PIEZO2 (piezo type mechanosensitive ion channel component 2; minus strand). Cytogenetic location: 18p11.22.
Variant type: single nucleotide variant.
Coding change: c.2134A>G on transcript NM_001378183.1 (MANE Select); coding-DNA position 2134, A replaced by G.
Protein change: p.Met712Val; replaces methionine 712 with valine.
Molecular consequence: missense variant.
Genome position (GRCh38, 1-based): chr18:10,789,114, T>C on the plus strand (A>G on the coding strand, the complement: PIEZO2 is on the minus strand). VCF-style: chr18-10789114-T-C. GRCh37 (hg19) VCF-style: chr18-10789112-T-C.
Other names: c.2134A>G; p.M712V; c.2134A>G, p.Met712Val (NM_022068.4); short protein forms M712V.
Identifiers: ClinVar variation 137633 (VCV000137633.6), dbSNP rs587777453, ClinGen allele CA163199.

ClinVar aggregate classification (germline): Pathogenic/Likely pathogenic. Review status: criteria provided, multiple submitters, no conflicts (2 of 4 stars). 6 submissions from 6 submitters: Pathogenic (3); Likely pathogenic (1). 2 of the submissions do not count toward it. Last evaluated 2024-08-01.

Conditions:
PIEZO2-related disorder. Also called: PIEZO2-related condition; PIEZO2-related disorders.
Inborn genetic diseases. Identifiers: MedGen C0950123, MeSH D030342.
Arthrogryposis- oculomotor limitation-electroretinal anomalies syndrome. Also called: ARTHROGRYPOSIS WITH OCULOMOTOR LIMITATION AND ELECTRORETINAL ABNORMALITIES; ARTHROGRYPOSIS, DISTAL, TYPE 5; ARTHROGRYPOSIS, DISTAL, TYPE IIB. Identifiers: Orphanet 1154, MedGen C1862472, MONDO:0007158, OMIM 108145.

Submissions (6):

Centro Nacional de Genética Medica, Administración Nacional de Laboratorios e Institutos de Salud (ANLIS) “Dr. Carlos G Malbrán”
Classification: Likely pathogenic for Arthrogryposis- oculomotor limitation-electroretinal anomalies syndrome. Last evaluated: 2024-08-01. Review status: criteria provided, single submitter. Criteria: ACMG Guidelines, 2015. Collection method: research. Allele origin: germline. Affected: yes. Observed: 1 variant allele.
Comment: The c.2134A>G, p.Met712Val, variant found is located in exon 15 of the PIEZO2 gene. The variant found was reported de novo in a patient with no family history (ClinVar ID: 137633) (PS2). The variant found is not present in population-based databases such as GnomAD, ExAc, or 1000 Genomes (PM2_Supporting). In the PIEZO2 gene, missense variants are a frequent cause of pathology (PP2). Bioinformatics predictors classify the variant as deleted (PP3). The patient's phenotype is consistent with distal arthrogryposis type 5, and the PIEZO2 gene is closely associated with the pathology (PP4).

Blueprint Genetics
Classification: Pathogenic for PIEZO2-related disorders. Last evaluated: 2024-03-05. Review status: criteria provided, single submitter. Criteria: ACMG Guidelines, 2015. Collection method: clinical testing. Allele origin: germline. Affected: yes. Observed: 2 variant alleles.

GeneDx
Classification: Pathogenic. Last evaluated: 2023-12-17. Review status: criteria provided, single submitter. Criteria: GeneDx Variant Classification Process June 2021. Collection method: clinical testing. Allele origin: germline. Affected: yes.
Comment: Not observed at significant frequency in large population cohorts (gnomAD); In silico analysis supports that this missense variant does not alter protein structure/function; This variant is associated with the following publications: (PMID: 26259784, 27743844, 30988732, 24726473, 15103714)

Ambry Genetics
Classification: Pathogenic for Inborn genetic diseases. Last evaluated: 2016-12-14. Review status: criteria provided, single submitter. Criteria: Ambry exome assertion method (8-5-2015). Collection method: clinical testing. Allele origin: germline. Affected: yes. Observed: 1 variant allele.

University of Washington Center for Mendelian Genomics, University of Washington
Classification: Pathogenic for Arthrogryposis- oculomotor limitation-electroretinal anomalies syndrome. Last evaluated: 2014-06-04. Review status: no assertion criteria provided. Collection method: research. Allele origin: de novo. Affected: yes. Not counted in ClinVar's aggregate classification.

OMIM
Classification: Pathogenic for ARTHROGRYPOSIS, DISTAL, TYPE 5. Last evaluated: 2014-05-01. Review status: no assertion criteria provided. Collection method: literature only. Allele origin: germline. Not counted in ClinVar's aggregate classification.

Literature cited by the submitters: PubMed 24726473 (cited by University of Washington Center for Mendelian Genomics, University of Washington and OMIM); PubMed 15103714 (cited by OMIM).